The following is an entry in ClinVar:

ClinVar aggregate classification (germline): Pathogenic. Review status: criteria provided, multiple submitters, no conflicts (2 of 4 stars). 5 submissions from 5 submitters: Pathogenic (4). 1 of the submissions does not count toward it. Last evaluated 2024-05-24.

Conditions:
Fanconi anemia complementation group A (FANCA). Also called: FANCA-Related Fanconi Anemia; Fanconi anemia, group A. Identifiers: Orphanet 84, MedGen C3469521, MONDO:0009215, OMIM 227650.
FANCA-related disorder. Also called: FANCA-related condition.
Fanconi anemia (FA). Also called: Fanconi's anemia. Identifiers: Orphanet 84, MedGen C0015625, MeSH D005199, MONDO:0019391.

Allele frequency attached by ClinVar (database versions not stated): gnomAD 0.00001.
gnomAD v4.1: 19 of 1,614,086 alleles (0.0012%); highest among the groups gnomAD compares: Non-Finnish European, 0.0016%; no homozygotes.

Submissions (5):

Natera, Inc.
Classification: Pathogenic for Fanconi anemia. Last evaluated: 2024-05-24. Review status: criteria provided, single submitter. Criteria: Natera Variant Classification Schema (03/2026). Collection method: clinical testing. Allele origin: germline.
Comment: The c.1645C>T variant in FANCA is a nonsense variant predicted to introduce a stop codon at amino acid 549. This variant is expected to result in nonsense mediated decay, truncation, or a dysfunctional protein product. This variant is rare in the general population with a frequency below the threshold expected for the associated phenotype(s). This variant has been observed in one or more individuals affected with the associated recessive disease, as either homozygous or compound heterozygous with a second variant (PMID: 26136524, 19367192). Given the available evidence, this variant is classified as Pathogenic.

Labcorp Genetics (formerly Invitae), Labcorp
Classification: Pathogenic for Fanconi anemia. Last evaluated: 2024-04-02. Review status: criteria provided, single submitter. Criteria: Invitae Variant Classification Sherloc (09022015). Collection method: clinical testing. Allele origin: germline.
Comment: This sequence change creates a premature translational stop signal (p.Gln549*) in the FANCA gene. It is expected to result in an absent or disrupted protein product. Loss-of-function variants in FANCA are known to be pathogenic (PMID: 19367192). This variant is present in population databases (rs779745863, gnomAD 0.0009%). This premature translational stop signal has been observed in individual(s) with Fanconi anemia (PMID: 19367192, 24584348, 29098742). ClinVar contains an entry for this variant (Variation ID: 936622). Algorithms developed to predict the effect of sequence changes on RNA splicing suggest that this variant may disrupt the consensus splice site. For these reasons, this variant has been classified as Pathogenic.

Baylor Genetics
Classification: Pathogenic for Fanconi anemia complementation group A. Last evaluated: 2023-11-28. Review status: criteria provided, single submitter. Criteria: ACMG Guidelines, 2015. Collection method: clinical testing. Allele origin: unknown.

PreventionGenetics, part of Exact Sciences
Classification: Pathogenic for FANCA-related condition. Last evaluated: 2022-08-19. Review status: criteria provided, single submitter. Criteria: ACMG Guidelines, 2015. Collection method: clinical testing. Allele origin: germline.
Comment: The FANCA c.1645C>T variant is predicted to result in premature protein termination (p.Gln549*). This variant was reported, along with another variant in FANCA, in an individual with Fanconi anemia complementation Group A (FA-A6, Moghrabi et al. 2009. PubMed ID: 19367192). This variant was also reported in individuals with esophageal carcinoma (ESCA) and thymoma (THYM) and was reported as a prioritized VUS in those patients (Supplementary Table S2B, Huang et al. 2018. PubMed ID: 29625052). This variant was reported in a study of individuals with congenital heart disease (Supplementary eTable 4, Morton et al. 2021. PubMed ID: 33084842). This variant is reported in 0.00088% of alleles in individuals of European (Non-Finnish) descent in gnomAD and is reported as pathogenic in ClinVar. Nonsense variants in FANCA are expected to be pathogenic. This variant is interpreted as pathogenic.

Leiden Open Variation Database
Classification: Pathogenic for Fanconi anemia complementation group A. Last evaluated: 2020-02-28. Review status: no assertion criteria provided. Collection method: curation. Allele origin: germline. Affected: yes. Not counted in ClinVar's aggregate classification.
Comment: Curator: Arleen D. Auerbach. Submitter to LOVD: Sue Richards.

Literature cited by the submitters: PubMed 26136524 (cited by Natera, Inc.); PubMed 19367192 (cited by 3 submitters); PubMed 24584348 (cited by Labcorp Genetics (formerly Invitae), Labcorp); PubMed 29098742 (cited by Labcorp Genetics (formerly Invitae), Labcorp).

NM_000135.4(FANCA):c.1645C>T (p.Gln549Ter)

Gene: FANCA (FA complementation group A; minus strand). Cytogenetic location: 16q24.3.
Variant type: single nucleotide variant.
Coding change: c.1645C>T on transcript NM_000135.4 (MANE Select); coding-DNA position 1645, C replaced by T.
Protein change: p.Gln549Ter; replaces glutamine 549 with a stop codon.
Molecular consequence: nonsense.
Genome position (GRCh38, 1-based): chr16:89,779,939, G>A on the plus strand (C>T on the coding strand, the complement: FANCA is on the minus strand). VCF-style: chr16-89779939-G-A. GRCh37 (hg19) VCF-style: chr16-89846347-G-A.
Other names: c.1645C>T (NM_000135.3); c.1645C>T, p.Gln549Ter (NM_001286167.3); short protein forms Q549*.
Identifiers: ClinVar variation 936622 (VCV000936622.15), dbSNP rs779745863, ClinGen allele CA8252182.